The following is an entry in ClinVar:

NM_000532.5(PCCB):c.1570A>G (p.Ser524Gly)

Gene: PCCB (propionyl-CoA carboxylase subunit beta; plus strand). Cytogenetic location: 3q22.3.
Variant type: single nucleotide variant.
Coding change: c.1570A>G on transcript NM_000532.5 (MANE Select); coding-DNA position 1570, A replaced by G.
Protein change: p.Ser524Gly; replaces serine 524 with glycine.
Molecular consequence: missense variant.
Genome position (GRCh38, 1-based): chr3:136,329,976, A>G. VCF-style: chr3-136329976-A-G. GRCh37 (hg19) VCF-style: chr3-136048818-A-G.
Other names: c.1630A>G, p.Ser544Gly (NM_001178014.2); short protein forms S524G, S544G.
Identifiers: ClinVar variation 582745 (VCV000582745.6), dbSNP rs1560035695, ClinGen allele CA354650179.

ClinVar aggregate classification (germline): Uncertain significance (1 of 4 stars; one submission).

Conditions:
Propionic acidemia (PROP). Also called: KETOTIC HYPERGLYCINEMIA; GLYCINEMIA, KETOTIC; HYPERGLYCINEMIA WITH KETOACIDOSIS AND LEUKOPENIA. Identifiers: Orphanet 35, MedGen C0268579, MONDO:0011628, OMIM 606054, HP:0003571.

Submission:

Labcorp Genetics (formerly Invitae), Labcorp
Classification: Uncertain significance for Propionic acidemia. Last evaluated: 2022-02-10. Review status: criteria provided, single submitter. Criteria: Invitae Variant Classification Sherloc (09022015). Collection method: clinical testing. Allele origin: germline.
Comment: ClinVar contains an entry for this variant (Variation ID: 582745). Advanced modeling of protein sequence and biophysical properties (such as structural, functional, and spatial information, amino acid conservation, physicochemical variation, residue mobility, and thermodynamic stability) performed at Invitae indicates that this missense variant is not expected to disrupt PCCB protein function. In summary, the available evidence is currently insufficient to determine the role of this variant in disease. Therefore, it has been classified as a Variant of Uncertain Significance. This variant has not been reported in the literature in individuals affected with PCCB-related conditions. This variant is not present in population databases (gnomAD no frequency). This sequence change replaces serine, which is neutral and polar, with glycine, which is neutral and non-polar, at codon 524 of the PCCB protein (p.Ser524Gly).